The following is an entry in ClinVar:

NM_001182.5(ALDH7A1):c.982C>T (p.Gln328Ter)

Gene: ALDH7A1 (aldehyde dehydrogenase 7 family member A1; minus strand). Cytogenetic location: 5q23.2.
Variant type: single nucleotide variant.
Coding change: c.982C>T on transcript NM_001182.5 (MANE Select); coding-DNA position 982, C replaced by T.
Protein change: p.Gln328Ter; replaces glutamine 328 with a stop codon.
Molecular consequence: nonsense.
Genome position (GRCh38, 1-based): chr5:126,559,266, G>A on the plus strand (C>T on the coding strand, the complement: ALDH7A1 is on the minus strand). VCF-style: chr5-126559266-G-A. GRCh37 (hg19) VCF-style: chr5-125894958-G-A.
Other names: c.898C>T, p.Gln300Ter (NM_001201377.2); c.982C>T, p.Gln328Ter (NM_001202404.2); short protein forms Q328*, Q300*.
Identifiers: ClinVar variation 916478 (VCV000916478.44), dbSNP rs1750309299, ClinGen allele CA360726651.

ClinVar aggregate classification (germline): Pathogenic. Review status: criteria provided, multiple submitters, no conflicts (2 of 4 stars). 2 submissions from 2 submitters: Pathogenic (2). Last evaluated 2023-08-30.

Conditions:
Pyridoxine-dependent epilepsy (EPEO4). Also called: Pyridoxine-Dependent Seizures; Pyridoxine-Dependent Epilepsy - ALDH7A1; EPILEPSY, EARLY-ONSET, 4, VITAMIN B6-DEPENDENT; PYRIDOXINE DEPENDENCY WITH SEIZURES. Identifiers: Orphanet 3006, MedGen C1849508, MONDO:0009945, OMIM 266100. Disease mechanism: loss of function.

Submissions (2):

Labcorp Genetics (formerly Invitae), Labcorp
Classification: Pathogenic for Pyridoxine-dependent epilepsy. Last evaluated: 2023-08-30. Review status: criteria provided, single submitter. Criteria: Invitae Variant Classification Sherloc (09022015). Collection method: clinical testing. Allele origin: germline.
Comment: ClinVar contains an entry for this variant (Variation ID: 916478). For these reasons, this variant has been classified as Pathogenic. This premature translational stop signal has been observed in individual(s) with clinical features of pyridoxine-dependent epilepsy (PMID: 30043187). This variant is not present in population databases (gnomAD no frequency). This sequence change creates a premature translational stop signal (p.Gln328*) in the ALDH7A1 gene. It is expected to result in an absent or disrupted protein product. Loss-of-function variants in ALDH7A1 are known to be pathogenic (PMID: 16491085, 20554659).

CeGaT Center for Human Genetics Tuebingen
Classification: Pathogenic. Last evaluated: 2020-03-01. Review status: criteria provided, single submitter. Criteria: CeGaT Center For Human Genetics Tuebingen Variant Classification Criteria Version 2. Collection method: clinical testing. Allele origin: germline. Affected: yes. Observed: 1 variant allele.

Literature cited by the submitters: PubMed 30043187 (cited by Labcorp Genetics (formerly Invitae), Labcorp); PubMed 16491085 (cited by Labcorp Genetics (formerly Invitae), Labcorp); PubMed 20554659 (cited by Labcorp Genetics (formerly Invitae), Labcorp).